The following is an entry in ClinVar:

NM_006231.4(POLE):c.4468T>C (p.Tyr1490His)

Gene: POLE (DNA polymerase epsilon, catalytic subunit; minus strand). Cytogenetic location: 12q24.33.
Variant type: single nucleotide variant.
Coding change: c.4468T>C on transcript NM_006231.4 (MANE Select); coding-DNA position 4468, T replaced by C.
Protein change: p.Tyr1490His; replaces tyrosine 1490 with histidine.
Molecular consequence: missense variant.
Genome position (GRCh38, 1-based): chr12:132,643,307, A>G on the plus strand (T>C on the coding strand, the complement: POLE is on the minus strand). VCF-style: chr12-132643307-A-G. GRCh37 (hg19) VCF-style: chr12-133219893-A-G.
Other names: short protein forms Y1490H.
Identifiers: ClinVar variation 2746645 (VCV002746645.3), dbSNP rs2541890142, ClinGen allele CA387380725.
Genomic context (GRCh38, chr12:132,643,307, plus strand): 5'-CCCTGCGCTGTGAGGGGATGAAGATCCCGAAGAGCGCTTTGTGGGCCTGTGCGTGGTGGT[A>G]CAGGTAGATATGGCGGATACTCCCTGGAGAAGGAAACAAGACCGTCACCCCAGATGTGTG-3'
Protein context (NP_006222.2, residues 1480-1500): EPGSIRHIYL[Tyr1490His]HHAQAHKALF

ClinVar aggregate classification (germline): Uncertain significance (1 of 4 stars; one submission).

Submission:

Labcorp Genetics (formerly Invitae), Labcorp
Classification: Uncertain significance. Last evaluated: 2023-07-25. Review status: criteria provided, single submitter. Criteria: Invitae Variant Classification Sherloc (09022015). Collection method: clinical testing. Allele origin: germline.
Comment: In summary, the available evidence is currently insufficient to determine the role of this variant in disease. Therefore, it has been classified as a Variant of Uncertain Significance. Advanced modeling of protein sequence and biophysical properties (such as structural, functional, and spatial information, amino acid conservation, physicochemical variation, residue mobility, and thermodynamic stability) performed at Invitae indicates that this missense variant is not expected to disrupt POLE protein function. This variant has not been reported in the literature in individuals affected with POLE-related conditions. This variant is not present in population databases (gnomAD no frequency). This sequence change replaces tyrosine, which is neutral and polar, with histidine, which is basic and polar, at codon 1490 of the POLE protein (p.Tyr1490His).